The following is an entry in ClinVar:

NC_000010.10:g.(?_55616925)_(55782967_?)del

Gene: PCDH15 (protocadherin related 15; minus strand). Cytogenetic location: 10q21.1.
Variant type: Deletion.
Identifiers: ClinVar variation 1428307 (VCV001428307.5).

ClinVar aggregate classification (germline): Pathogenic (1 of 4 stars; one submission).

Submission:

Labcorp Genetics (formerly Invitae), Labcorp
Classification: Pathogenic. Last evaluated: 2021-08-12. Review status: criteria provided, single submitter. Criteria: Invitae Variant Classification Sherloc (09022015). Collection method: clinical testing. Allele origin: germline.
Comment: This variant is a gross deletion of the genomic region encompassing exon(s) 19-28 of the PCDH15 gene. This deletion is out-of-frame, and is expected to create a premature termination codon and result in an absent or disrupted protein product. Loss-of-function variants in PCDH15 are known to be pathogenic (PMID: 11398101, 11487575, 14570705). This variant has not been reported in the literature in individuals affected with PCDH15-related conditions. For these reasons, this variant has been classified as Pathogenic.

Literature cited by the submitters: PubMed 11398101; PubMed 11487575; PubMed 14570705.